The following is an entry in ClinVar:

ClinVar aggregate classification (germline): Pathogenic/Likely pathogenic. Review status: criteria provided, multiple submitters, no conflicts (2 of 4 stars). 3 submissions from 3 submitters: Pathogenic (1); Likely pathogenic (2). Last evaluated 2025-04-28.

Conditions:
Asphyxiating thoracic dystrophy 3. Also called: SHORT-RIB THORACIC DYSPLASIA 3 WITH OR WITHOUT POLYDACTYLY; POLYDACTYLY WITH NEONATAL CHONDRODYSTROPHY, TYPE I; SHORT-RIB THORACIC DYSPLASIA 3/6 WITH POLYDACTYLY, DIGENIC; Short rib polydactyly syndrome 2B; Saldino-Noonan Syndrome. Identifiers: Orphanet 474, Orphanet 93269, Orphanet 93270, Orphanet 93271, MedGen C0036069, MONDO:0013127, OMIM 613091.
DYNC2H1-related disorder. Also called: DYNC2H1-related condition; DYNC2H1-related disorders. Identifiers: MedGen CN378770.

Submissions (3):

Myriad Genetics, Inc.
Classification: Pathogenic for Asphyxiating thoracic dystrophy 3. Last evaluated: 2025-04-28. Review status: criteria provided, single submitter. Criteria: Myriad Autosomal Dominant, Autosomal Recessive and X-Linked Classification Criteria (2023). Collection method: clinical testing. Allele origin: unknown.
Comment: NM_001377.2(DYNC2H1):c.12334C>T(Q4112*) is expected to be pathogenic in the context of DYNC2H1-related disorders. This variant is predicted to lead to an abnormal or absent protein product due to the creation of a premature termination codon in DYNC2H1, a gene where loss-of-function variants are known to be pathogenic. Please note: this variant was assessed in the context of healthy population screening.

Blueprint Genetics
Classification: Likely pathogenic for DYNC2H1-related disorders. Last evaluated: 2021-10-26. Review status: criteria provided, single submitter. Criteria: ACMG Guidelines, 2015. Collection method: clinical testing. Allele origin: germline. Affected: yes. Observed: 1 variant allele.

Juno Genomics, Hangzhou Juno Genomics, Inc
Classification: Likely pathogenic for Asphyxiating thoracic dystrophy 3. Review status: criteria provided, single submitter. Criteria: ACMG Guidelines, 2015. Collection method: clinical testing. Allele origin: germline.
Comment: Null variant in a gene where loss of function (LOF) is a known mechanism of disease.;Absent from controls (or at extremely low frequency if recessive) in Genome Aggregation Database.

NM_001377.3(DYNC2H1):c.12334C>T (p.Gln4112Ter)

Gene: DYNC2H1 (dynein cytoplasmic 2 heavy chain 1; plus strand). Cytogenetic location: 11q22.3.
Variant type: single nucleotide variant.
Coding change: c.12334C>T on transcript NM_001377.3 (MANE Select); coding-DNA position 12334, C replaced by T.
Protein change: p.Gln4112Ter; replaces glutamine 4112 with a stop codon.
Molecular consequence: nonsense.
Genome position (GRCh38, 1-based): chr11:103,399,840, C>T. VCF-style: chr11-103399840-C-T. GRCh37 (hg19) VCF-style: chr11-103270568-C-T.
Other names: c.12355C>T, p.Gln4119Ter (NM_001080463.2); short protein forms Q4112*, Q4119*.
Identifiers: ClinVar variation 4913840 (VCV004913840.4).